The following is an entry in ClinVar:

NM_177438.3(DICER1):c.829G>A (p.Ala277Thr)

Gene: DICER1 (dicer 1, ribonuclease III; minus strand). Cytogenetic location: 14q32.13.
Variant type: single nucleotide variant.
Coding change: c.829G>A on transcript NM_177438.3 (MANE Select); coding-DNA position 829, G replaced by A.
Protein change: p.Ala277Thr; replaces alanine 277 with threonine.
Molecular consequence: missense variant.
Genome position (GRCh38, 1-based): chr14:95,126,654, C>T on the plus strand (G>A on the coding strand, the complement: DICER1 is on the minus strand). VCF-style: chr14-95126654-C-T. GRCh37 (hg19) VCF-style: chr14-95592991-C-T.
Other names: c.829G>A (NM_177438.2); c.829G>A, p.Ala277Thr (NM_001195573.1, NM_001271282.3, NM_001291628.2 and 1 more transcripts); short protein forms A277T.
Identifiers: ClinVar variation 1381999 (VCV001381999.9), dbSNP rs1893485850, ClinGen allele CA390887596.
Genomic context (GRCh38, chr14:95,126,654, plus strand): 5'-AAGTAGAATCTCTTTCTTTTGAATGTACAGATATATTACAATCATTGATAAAATTAAGTG[C>T]TTCTTCTAATTCCATCAGCAGTCTTTCATAAAGCCCACTTCTGTCAGTAAATGGTCCACA-3'
Protein context (NP_803187.1, residues 267-287): YERLLMELEE[Ala277Thr]LNFINDCNIS

ClinVar aggregate classification (germline): Uncertain significance. Review status: criteria provided, multiple submitters, no conflicts (2 of 4 stars). 3 submissions from 3 submitters: Uncertain significance (3). Last evaluated 2024-09-25.

Conditions:
DICER1-related tumor predisposition. Also called: DICER1 syndrome; DICER1-related pleuropulmonary blastoma cancer predisposition syndrome. Identifiers: Orphanet 284343, MedGen C3839822, MONDO:0100216.
Euthyroid goiter (MNG1). Also called: Goiter, multinodular 1, with or without Sertoli-Leydig cell tumors; SIMPLE GOITER; GOITER, NONTOXIC, WITH INTRATHYROIDAL CALCIFICATION; MULTINODULAR GOITER, ADOLESCENT. Identifiers: Orphanet 276399, MedGen C0302859, MONDO:0007681, OMIM 138800, HP:0009798.
Pleuropulmonary blastoma (PPB). Identifiers: Orphanet 64742, MedGen C1266144, MONDO:0011014, OMIM 601200, HP:0100528.
Rhabdomyosarcoma, embryonal, 2 (RMSE2). Identifiers: MedGen C1867234, MONDO:0859046, OMIM 180295.
Global developmental delay - lung cysts - overgrowth - Wilms tumor syndrome. Also called: GLOBAL DEVELOPMENTAL DELAY, LUNG CYSTS, OVERGROWTH, AND WILMS TUMOR; GLOW Syndrome. Identifiers: Orphanet 404476, MedGen C4748924, MONDO:0018445, OMIM 618272.
Hereditary cancer-predisposing syndrome. Also called: Tumor predisposition; Hereditary neoplastic syndrome; Neoplastic Syndromes, Hereditary; Hereditary Cancer Syndrome. Identifiers: Orphanet 140162, MedGen C0027672, MeSH D009386, MONDO:0015356.

Submissions (3):

Ambry Genetics
Classification: Uncertain significance for Hereditary cancer-predisposing syndrome. Last evaluated: 2024-09-25. Review status: criteria provided, single submitter. Criteria: Ambry Variant Classification Scheme 2023. Collection method: clinical testing. Allele origin: germline.
Comment: The p.A277T variant (also known as c.829G>A), located in coding exon 6 of the DICER1 gene, results from a G to A substitution at nucleotide position 829. The alanine at codon 277 is replaced by threonine, an amino acid with similar properties. This amino acid position is conserved. In addition, the in silico prediction for this alteration is inconclusive. Based on the available evidence, the clinical significance of this variant remains unclear.

Labcorp Genetics (formerly Invitae), Labcorp
Classification: Uncertain significance for DICER1-related tumor predisposition. Last evaluated: 2024-03-20. Review status: criteria provided, single submitter. Criteria: Invitae Variant Classification Sherloc (09022015). Collection method: clinical testing. Allele origin: germline.
Comment: This sequence change replaces alanine, which is neutral and non-polar, with threonine, which is neutral and polar, at codon 277 of the DICER1 protein (p.Ala277Thr). This variant is not present in population databases (gnomAD no frequency). This variant has not been reported in the literature in individuals affected with DICER1-related conditions. ClinVar contains an entry for this variant (Variation ID: 1381999). Advanced modeling of protein sequence and biophysical properties (such as structural, functional, and spatial information, amino acid conservation, physicochemical variation, residue mobility, and thermodynamic stability) performed at Invitae indicates that this missense variant is not expected to disrupt DICER1 protein function with a negative predictive value of 80%. In summary, the available evidence is currently insufficient to determine the role of this variant in disease. Therefore, it has been classified as a Variant of Uncertain Significance.

Fulgent Genetics
Classification: Uncertain significance for Euthyroid goiter; Rhabdomyosarcoma, embryonal, 2; Pleuropulmonary blastoma; Global developmental delay - lung cysts - overgrowth - Wilms tumor syndrome. Last evaluated: 2024-01-19. Review status: criteria provided, single submitter. Criteria: ACMG Guidelines, 2015. Collection method: clinical testing. Allele origin: germline.